The following is an entry in ClinVar:

ClinVar aggregate classification (germline): Uncertain significance (1 of 4 stars; one submission).

Conditions:
MAGEL2-related disorder. Also called: MAGEL2-related condition.

Submission:

PreventionGenetics, part of Exact Sciences
Classification: Uncertain significance for MAGEL2-related condition. Last evaluated: 2025-08-10. Review status: criteria provided, single submitter. Criteria: ACMG Guidelines, 2015. Collection method: clinical testing. Allele origin: germline.
Comment: The MAGEL2 c.1799T>G variant is predicted to result in the amino acid substitution p.Ile600Ser. To our knowledge, this variant has not been reported in the literature or in a large population database (gnomAD), indicating this variant is rare. At this time, the clinical significance of this variant is uncertain due to the absence of conclusive functional and genetic evidence.

NM_019066.5(MAGEL2):c.1799T>G (p.Ile600Ser)

Gene: MAGEL2 (MAGE family member L2; minus strand). Cytogenetic location: 15q11.2.
Variant type: single nucleotide variant.
Coding change: c.1799T>G on transcript NM_019066.5 (MANE Select); coding-DNA position 1799, T replaced by G.
Protein change: p.Ile600Ser; replaces isoleucine 600 with serine.
Molecular consequence: missense variant.
Genome position (GRCh38, 1-based): chr15:23,645,944, A>C on the plus strand (T>G on the coding strand, the complement: MAGEL2 is on the minus strand). VCF-style: chr15-23645944-A-C. GRCh37 (hg19) VCF-style: chr15-23891091-A-C.
Other names: short protein forms I600S.
Identifiers: ClinVar variation 5002216 (VCV005002216.1).